The following is an entry in ClinVar:

ClinVar aggregate classification (germline): Uncertain significance. Review status: criteria provided, single submitter (1 of 4 stars). 2 submissions from 2 submitters: Uncertain significance (1). 1 of the submissions does not count toward it. Last evaluated 2024-09-30.

Conditions:
Cystic fibrosis (CF). Also called: MUCOVISCIDOSIS. Identifiers: Orphanet 586, MedGen C0010674, MONDO:0009061, OMIM 219700. Disease mechanism: loss of function.

Submissions (2):

Women's Health and Genetics/Laboratory Corporation of America, LabCorp
Classification: Uncertain significance. Last evaluated: 2024-09-30. Review status: criteria provided, single submitter. Criteria: LabCorp Variant Classification Summary - May 2015. Collection method: clinical testing. Allele origin: germline.
Comment: Variant summary: CFTR c.3787A>G (p.Thr1263Ala) results in a non-conservative amino acid change located in the ABC transporter-like, ATP-binding domain of the encoded protein sequence. Five of five in-silico tools predict a damaging effect of the variant on protein function. The variant was absent in 251030 control chromosomes. The available data on variant occurrences in the general population are insufficient to allow any conclusion about variant significance. To our knowledge, no occurrence of c.3787A>G in individuals affected with Cystic Fibrosis and no experimental evidence demonstrating its impact on protein function have been reported. ClinVar contains an entry for this variant (Variation ID: 558176). Based on the evidence outlined above, the variant was classified as uncertain significance.

Counsyl
Classification: Uncertain significance for Cystic fibrosis. Last evaluated: 2018-05-03. Review status: no assertion criteria provided. Collection method: clinical testing. Allele origin: unknown. Not counted in ClinVar's aggregate classification.

NM_000492.4(CFTR):c.3787A>G (p.Thr1263Ala)

Genes: CFTR (CF transmembrane conductance regulator; plus strand), CFTR-AS2 (CFTR antisense RNA 2; minus strand). Cytogenetic location: 7q31.2.
Variant type: single nucleotide variant.
Coding change: c.3787A>G on transcript NM_000492.4 (MANE Select); coding-DNA position 3787, A replaced by G.
Protein change: p.Thr1263Ala; replaces threonine 1263 with alanine.
Molecular consequence: missense variant.
Genome position (GRCh38, 1-based): chr7:117,642,507, A>G. VCF-style: chr7-117642507-A-G. GRCh37 (hg19) VCF-style: chr7-117282561-A-G.
Other names: short protein forms T1263A.
Identifiers: ClinVar variation 558176 (VCV000558176.3), dbSNP rs1554395363, ClinGen allele CA368974865.